The following is an entry in ClinVar:

NM_001267550.2(TTN):c.72535G>A (p.Val24179Ile)

Genes: TTN (titin; minus strand), TTN-AS1 (TTN antisense RNA 1; plus strand). Cytogenetic location: 2q31.2.
Variant type: single nucleotide variant.
Coding change: c.72535G>A on transcript NM_001267550.2 (MANE Select); coding-DNA position 72535, G replaced by A.
Protein change: p.Val24179Ile; replaces valine 24179 with isoleucine.
Molecular consequence: missense variant.
Genome position (GRCh38, 1-based): chr2:178,573,597, C>T on the plus strand (G>A on the coding strand, the complement: TTN is on the minus strand). VCF-style: chr2-178573597-C-T. GRCh37 (hg19) VCF-style: chr2-179438324-C-T.
Other names: c.67612G>A, p.Val22538Ile (NM_001256850.1); c.45340G>A, p.Val15114Ile (NM_003319.4); c.64831G>A, p.Val21611Ile (NM_133378.4); c.45715G>A, p.Val15239Ile (NM_133432.3); c.45916G>A, p.Val15306Ile (NM_133437.4); short protein forms V15114I, V15239I, V15306I, V21611I, V22538I, V24179I.
Identifiers: ClinVar variation 1328084 (VCV001328084.4), dbSNP rs1400549364, ClinGen allele CA349646716.

ClinVar aggregate classification (germline): Likely benign. Review status: criteria provided, single submitter (1 of 4 stars). 3 submissions from 3 submitters: Likely benign (1). 2 of the submissions do not count toward it. Last evaluated 2025-07-24.

Allele frequency attached by ClinVar (database versions not stated): gnomAD exomes below 0.00001 and 0.00001; gnomAD 0.00001; TOPMed 0.00002.
gnomAD v4.1: 10 of 1,497,188 alleles (0.00067%); highest among the groups gnomAD compares: African/African-American, 0.0014%; no homozygotes.

Submissions (3):

Molecular Diagnostic Laboratory for Inherited Cardiovascular Disease, Montreal Heart Institute
Classification: Likely benign. Last evaluated: 2025-07-24. Review status: criteria provided, single submitter. Criteria: ACMG Guidelines, 2015. Collection method: clinical testing. Allele origin: germline. Affected: no.
Comment: BP1

Clinical Genetics DNA and cytogenetics Diagnostics Lab, Erasmus MC, Erasmus Medical Center
Classification: Uncertain significance. Review status: no assertion criteria provided. Collection method: clinical testing. Allele origin: germline. Affected: yes. Study: VKGL Data-share Consensus. Not counted in ClinVar's aggregate classification.

Clinical Genetics, Academic Medical Center
Classification: Uncertain significance. Review status: no assertion criteria provided. Collection method: clinical testing. Allele origin: germline. Affected: yes. Study: VKGL Data-share Consensus. Not counted in ClinVar's aggregate classification.